The following is an entry in ClinVar:

NM_170784.3(MKKS):c.13G>T (p.Glu5Ter)

Gene: MKKS (MKKS centrosomal shuttling protein; minus strand). Cytogenetic location: 20p12.2.
Variant type: single nucleotide variant.
Coding change: c.13G>T on transcript NM_170784.3 (MANE Select); coding-DNA position 13, G replaced by T.
Protein change: p.Glu5Ter; replaces glutamic acid 5 with a stop codon.
Molecular consequence: nonsense.
Genome position (GRCh38, 1-based): chr20:10,413,502, C>A on the plus strand (G>T on the coding strand, the complement: MKKS is on the minus strand). VCF-style: chr20-10413502-C-A. GRCh37 (hg19) VCF-style: chr20-10394150-C-A.
Other names: c.13G>T, p.Glu5Ter (NM_018848.3); short protein forms E5*.
Identifiers: ClinVar variation 3749720 (VCV003749720.2).
Genomic context (GRCh38, chr20:10,413,502, plus strand): 5'-TGGTCCTGACTCTCTCAGTTGTCAGTGGTTCACTCTTACACAATGATGGCTTCTTAGCTT[C>A]CAAACGAGACATCTTACTTCAGGTGGTAACTAGTGAAGACCGTTTTTATTTTGTAAACCA-3'

ClinVar aggregate classification (germline): Pathogenic (1 of 4 stars; one submission).

Conditions:
McKusick-Kaufman syndrome (MKKS). Also called: HYDROMETROCOLPOS SYNDROME; HYDROMETROCOLPOS, POSTAXIAL POLYDACTYLY, AND CONGENITAL HEART MALFORMATION. Identifiers: Orphanet 2473, MedGen C0948368, MONDO:0009367, OMIM 236700.
Bardet-Biedl syndrome (BBS). Identifiers: Orphanet 110, MedGen C0752166, MONDO:0015229.

Submission:

Labcorp Genetics (formerly Invitae), Labcorp
Classification: Pathogenic for McKusick-Kaufman syndrome; Bardet-Biedl syndrome. Last evaluated: 2024-02-06. Review status: criteria provided, single submitter. Criteria: Invitae Variant Classification Sherloc (09022015). Collection method: clinical testing. Allele origin: germline.
Comment: This sequence change creates a premature translational stop signal (p.Glu5*) in the MKKS gene. It is expected to result in an absent or disrupted protein product. Loss-of-function variants in MKKS are known to be pathogenic (PMID: 11179009, 28761321, 30614526). This variant is not present in population databases (gnomAD no frequency). This variant has not been reported in the literature in individuals affected with MKKS-related conditions. For these reasons, this variant has been classified as Pathogenic.

Literature cited by the submitters: PubMed 11179009; PubMed 28761321; PubMed 30614526.